The following is an entry in ClinVar:

ClinVar aggregate classification (germline): Uncertain significance (1 of 4 stars; one submission).

Conditions:
Cardiac arrhythmia. Also called: Arrhythmia; Cardiac rhythm disease. Identifiers: MedGen C0003811, MONDO:0007263, HP:0011675.

Allele frequency attached by ClinVar (database versions not stated): ExAC 0.00002; gnomAD exomes 0.00001; TOPMed 0.00001; gnomAD 0.00002; ESP Exome Variant Server 0.00008.
gnomAD v4.1: 24 of 1,614,046 alleles (0.0015%); highest among the groups gnomAD compares: Non-Finnish European, 0.0019%; no homozygotes.

Submission:

Labcorp Genetics (formerly Invitae), Labcorp
Classification: Uncertain significance for Cardiac arrhythmia. Last evaluated: 2025-11-17. Review status: criteria provided, single submitter. Criteria: Invitae Variant Classification Sherloc (09022015). Collection method: clinical testing. Allele origin: germline.
Comment: This sequence change replaces cysteine, which is neutral and slightly polar, with phenylalanine, which is neutral and non-polar, at codon 7 of the RANGRF protein (p.Cys7Phe). This variant is present in population databases (rs369657952, gnomAD 0.002%). This variant has not been reported in the literature in individuals affected with RANGRF-related conditions. ClinVar contains an entry for this variant (Variation ID: 1947101). An algorithm developed to predict the effect of missense changes on protein structure and function outputs the following: PolyPhen-2: "Benign". The phenylalanine amino acid residue is found in multiple mammalian species, which suggests that this missense change does not adversely affect protein function. In summary, the available evidence is currently insufficient to determine the role of this variant in disease. Therefore, it has been classified as a Variant of Uncertain Significance.

NM_016492.5(RANGRF):c.20G>T (p.Cys7Phe)

Genes: RANGRF (RAN guanine nucleotide release factor; plus strand), SLC25A35 (solute carrier family 25 member 35; minus strand). Cytogenetic location: 17p13.1.
Variant type: single nucleotide variant.
Coding change: c.20G>T on transcript NM_016492.5 (MANE Select); coding-DNA position 20, G replaced by T.
Protein change: p.Cys7Phe; replaces cysteine 7 with phenylalanine.
Molecular consequence: missense variant. On other transcripts: 3 prime UTR variant (1), non-coding transcript variant (1), intron variant (1).
Genome position (GRCh38, 1-based): chr17:8,288,808, G>T. VCF-style: chr17-8288808-G-T. GRCh37 (hg19) VCF-style: chr17-8192126-G-T.
Other names: c.20G>T, p.Cys7Phe (NM_001177801.2, NM_001177802.2, NM_001330127.2); c.*808C>A (NM_201520.3); c.*43-376C>A (NM_001320871.2); short protein forms C7F.
Identifiers: ClinVar variation 1947101 (VCV001947101.4), dbSNP rs369657952, ClinGen allele CA8374282.